The following is an entry in ClinVar:

ClinVar aggregate classification (germline): Benign/Likely benign. Review status: criteria provided, multiple submitters, no conflicts (2 of 4 stars). 5 submissions from 4 submitters: Benign (2); Likely benign (3). Last evaluated 2026-03-24.

Conditions:
Retinitis pigmentosa (RP). Identifiers: Orphanet 791, MedGen C0035334, MeSH D012174, MONDO:0019200, OMIM 268000. Inheritance: Autosomal dominant, autosomal recessive and X linked inheritance.
Leber congenital amaurosis 11 (LCA11). Identifiers: Orphanet 65, MedGen C1840284, MONDO:0013454, OMIM 613837.
IMPDH1-related disorder. Also called: IMPDH1-related condition; IMPDH1-related disorders.

Allele frequency attached by ClinVar (database versions not stated): gnomAD exomes 0.00036 and 0.00080; ExAC 0.00071; ESP Exome Variant Server 0.00170; gnomAD 0.00217 and 0.00237; 1000 Genomes Project 0.00280; 1000 Genomes Project 30x 0.00281; TOPMed 0.00314.
gnomAD v4.1: 910 of 1,611,996 alleles (0.056%); highest among the groups gnomAD compares: African/African-American, 0.5%; 1 homozygote.

Submissions (5):

PreventionGenetics, part of Exact Sciences
Classification: Benign for IMPDH1-related condition. Last evaluated: 2026-03-24. Review status: criteria provided, single submitter. Criteria: ACMG Guidelines, 2015. Collection method: clinical testing. Allele origin: germline.
Comment: This variant is classified as benign based on ACMG/AMP sequence variant interpretation guidelines (Richards et al. 2015 PMID: 25741868, with internal and published modifications).

Blueprint Genetics
Classification: Likely benign. Last evaluated: 2024-10-24. Review status: criteria provided, single submitter. Criteria: ACMG Guidelines, 2015. Collection method: clinical testing. Allele origin: germline.

Labcorp Genetics (formerly Invitae), Labcorp
Classification: Benign. Last evaluated: 2019-12-31. Review status: criteria provided, single submitter. Criteria: Invitae Variant Classification Sherloc (09022015). Collection method: clinical testing. Allele origin: germline.

Illumina Laboratory Services, Illumina
Classification: Likely benign for Retinitis pigmentosa. Last evaluated: 2018-01-13. Review status: criteria provided, single submitter. Criteria: ICSL Variant Classification Criteria 13 December 2019. Collection method: clinical testing. Allele origin: germline.
Comment: This variant was observed in the ICSL laboratory as part of a predisposition screen in an ostensibly healthy population. It had not been previously curated by ICSL or reported in the Human Gene Mutation Database (HGMD: prior to June 1st, 2018), and was therefore a candidate for classification through an automated scoring system. Utilizing variant allele frequency, disease prevalence and penetrance estimates, and inheritance mode, an automated score was calculated to assess if this variant is too frequent to cause the disease. Based on the score and internal cut-off values, a variant classified as likely benign is not then subjected to further curation. The score for this variant resulted in a classification of likely benign for this disease.

Illumina Laboratory Services, Illumina
Classification: Likely benign for Leber congenital amaurosis 11. Last evaluated: 2018-01-13. Review status: criteria provided, single submitter. Criteria: ICSL Variant Classification Criteria 13 December 2019. Collection method: clinical testing. Allele origin: germline.
Comment: the same text as in the submission from Illumina Laboratory Services, Illumina above.

NM_000883.4(IMPDH1):c.1074+7C>T

Gene: IMPDH1 (inosine monophosphate dehydrogenase 1; minus strand). Cytogenetic location: 7q32.1.
Variant type: single nucleotide variant.
Coding change: c.1074+7C>T on transcript NM_000883.4 (MANE Select); 7 bases into the intron after coding-DNA position 1074, C replaced by T.
Molecular consequence: intron variant.
Genome position (GRCh38, 1-based): chr7:128,398,407, G>A on the plus strand (C>T on the coding strand, the complement: IMPDH1 is on the minus strand). VCF-style: chr7-128398407-G-A. GRCh37 (hg19) VCF-style: chr7-128038461-G-A.
Other names: c.867+7C>T (NM_001304521.2); c.966+7C>T (NM_183243.3); c.1044+7C>T (NM_001102605.2); c.975+7C>T (NM_001142576.2); c.744+7C>T (NM_001142575.2); c.804+7C>T (NM_001142574.2); c.819+7C>T (NM_001142573.2).
Identifiers: ClinVar variation 774134 (VCV000774134.10), dbSNP rs72624958, ClinGen allele CA4470967.
Genomic context (GRCh38, chr7:128,398,407, plus strand): 5'-TCCTCATAAACCTCCACTCTGCTGAACCACTCATCCATCTCCCCCACCACTCAGGCGGGG[G>A]CCTTACCAAGACTATGACGTCGACGCCCGCCTGGGTGAGCAGGTCCAGACGGTATTTGTC-3'